The following is an entry in ClinVar:

ClinVar aggregate classification (germline): Pathogenic/Likely pathogenic. Review status: criteria provided, multiple submitters, no conflicts (2 of 4 stars). 3 submissions from 2 submitters: Pathogenic (1); Likely pathogenic (1). 1 of the submissions does not count toward it. Last evaluated 2023-06-06.

Conditions:
Pulmonary fibrosis and/or bone marrow failure, Telomere-related, 1. Also called: PULMONARY FIBROSIS AND/OR BONE MARROW FAILURE SYNDROME, TELOMERE-RELATED, 1. Identifiers: Orphanet 88, MedGen C3553617, MONDO:0013878, OMIM 614742.
Pulmonary fibrosis. Identifiers: MedGen C0034069, MONDO:0002771, HP:0002206.

Submissions (3):

GeneDx
Classification: Pathogenic. Last evaluated: 2023-06-06. Review status: criteria provided, single submitter. Criteria: GeneDx Variant Classification Process June 2021. Collection method: clinical testing. Allele origin: germline. Affected: yes.
Comment: Frameshift variant predicted to result in protein truncation or nonsense mediated decay in a gene for which loss of function is a known mechanism of disease; Not observed at significant frequency in large population cohorts (gnomAD); This variant is associated with the following publications: (PMID: 28192371)

Garcia Pulmonary Genetics Research Laboratory, Columbia University Irving Medical Center
Classification: Likely pathogenic for Pulmonary fibrosis and/or bone marrow failure, Telomere-related, 1. Last evaluated: 2022-05-19. Review status: criteria provided, single submitter. Criteria: ACMG Guidelines, 2015. Collection method: research. Allele origin: germline. Affected: yes. Observed: 1 variant allele.

Garcia Pulmonary Genetics Research Laboratory, Columbia University Irving Medical Center
Classification: Likely risk allele for Pulmonary fibrosis. Last evaluated: 2022-06-09. Review status: no assertion criteria provided. Collection method: research. Allele origin: germline. Affected: yes. Not counted in ClinVar's aggregate classification.
Comment: Leukocyte telomere length (by qPCR) less than 10th percentile age-adjusted

NM_198253.3(TERT):c.2991del (p.Cys998fs)

Gene: TERT (telomerase reverse transcriptase; minus strand). Cytogenetic location: 5p15.33.
Variant type: Deletion.
Coding change: c.2991del on transcript NM_198253.3 (MANE Select); coding-DNA position 2991, one base deleted (G; older notation c.2991delG).
Protein change: p.Cys998fs; shifts the reading frame from cysteine 998.
Molecular consequence: frameshift variant. On other transcripts: non-coding transcript variant (2).
Genome position (GRCh38, 1-based): chr5:1,258,639, C deleted on the plus strand (G on the coding strand, the reverse complement: TERT is on the minus strand). VCF-style (leftmost placement, unchanged base first): chr5-1258638-AC-A. GRCh37 (hg19) VCF-style: chr5-1258753-AC-A.
Other names: p.Cys998fs; c.2802del, p.Cys935fs (NM_001193376.3); c.2991delG (NM_198253.2, NM_198253.3); c.2991del (NM_198253.2); short protein forms C935fs, C998fs.
Identifiers: ClinVar variation 523957 (VCV000523957.38), dbSNP rs1554038539, ClinGen allele CA658796486.
Genomic context (GRCh38, chr5:1,258,638, plus strand): 5'-ACCCCTTGGTGGCGGCTCACCTGTACGCCTGCAGCAGGAGGATCTTGTAGATGTTGGTGC[AC>A]ACCGTCTGGAGGCTGTTCACCTAGAGTCGCCAAGAAAGAGTGAGAAACGGTAGAAACCTC-3'